The following is an entry in ClinVar:

ClinVar aggregate classification (germline): Benign/Likely benign. Review status: criteria provided, multiple submitters, no conflicts (2 of 4 stars). 3 submissions from 3 submitters: Benign (1); Likely benign (2). Last evaluated 2026-01-02.

Allele frequency attached by ClinVar (database versions not stated): gnomAD 0.00001 and 0.00009; TOPMed 0.00002; gnomAD exomes 0.00018 and 0.00037; ExAC 0.00032; 1000 Genomes Project 0.00060; 1000 Genomes Project 30x 0.00062.
gnomAD v4.1: 272 of 1,595,216 alleles (0.017%); highest among the groups gnomAD compares: South Asian, 0.28%; 4 homozygotes.

Submissions (3):

Labcorp Genetics (formerly Invitae), Labcorp
Classification: Benign. Last evaluated: 2026-01-02. Review status: criteria provided, single submitter. Criteria: Invitae Variant Classification Sherloc (09022015). Collection method: clinical testing. Allele origin: germline.

Blueprint Genetics
Classification: Likely benign. Last evaluated: 2023-02-03. Review status: criteria provided, single submitter. Criteria: ACMG Guidelines, 2015. Collection method: clinical testing. Allele origin: germline.

GeneDx
Classification: Likely benign. Last evaluated: 2018-05-18. Review status: criteria provided, single submitter. Criteria: GeneDx Variant Classification (06012015). Collection method: clinical testing. Allele origin: germline. Affected: yes.
Comment: This variant is considered likely benign or benign based on one or more of the following criteria: it is a conservative change, it occurs at a poorly conserved position in the protein, it is predicted to be benign by multiple in silico algorithms, and/or has population frequency not consistent with disease.

NM_005984.5(SLC25A1):c.822-19C>T

Gene: SLC25A1 (solute carrier family 25 member 1; minus strand). Cytogenetic location: 22q11.21.
Variant type: single nucleotide variant.
Coding change: c.822-19C>T on transcript NM_005984.5 (MANE Select); 19 bases into the intron before coding-DNA position 822, C replaced by T.
Molecular consequence: intron variant.
Genome position (GRCh38, 1-based): chr22:19,176,263, G>A on the plus strand (C>T on the coding strand, the complement: SLC25A1 is on the minus strand). VCF-style: chr22-19176263-G-A. GRCh37 (hg19) VCF-style: chr22-19163776-G-A.
Other names: c.513-19C>T (NM_001287387.2); c.843-19C>T (NM_001256534.2).
Identifiers: ClinVar variation 682556 (VCV000682556.5), dbSNP rs200365897, ClinGen allele CA10097257.